The following is an entry in ClinVar:

ClinVar aggregate classification (germline): Conflicting classifications of pathogenicity. Review status: criteria provided, conflicting classifications (1 of 4 stars). 3 submissions from 3 submitters: Uncertain significance (2); Likely benign (1). Last evaluated 2026-02-01.

Conditions:
Capillary malformation-arteriovenous malformation syndrome. Also called: Capillary malformation-arteriovenous malformation. Identifiers: Orphanet 137667, MedGen C1842180, MONDO:0012016.
Cardiovascular phenotype. Identifiers: MedGen CN230736.

Allele frequency attached by ClinVar (database versions not stated): gnomAD 0.00001; TOPMed below 0.00001; ExAC 0.00002; ESP Exome Variant Server 0.00008; gnomAD exomes 0.00002 and 0.00005.
gnomAD v4.1: 70 of 1,611,422 alleles (0.0043%); highest among the groups gnomAD compares: Non-Finnish European, 0.0055%; no homozygotes.

Submissions (3):

Labcorp Genetics (formerly Invitae), Labcorp
Classification: Uncertain significance for Capillary malformation-arteriovenous malformation syndrome. Last evaluated: 2026-02-01. Review status: criteria provided, single submitter. Criteria: Invitae Variant Classification Sherloc (09022015). Collection method: clinical testing. Allele origin: germline.
Comment: This sequence change replaces aspartic acid, which is acidic and polar, with tyrosine, which is neutral and polar, at codon 1045 of the RASA1 protein (p.Asp1045Tyr). This variant is present in population databases (rs144524710, gnomAD 0.003%). This variant has not been reported in the literature in individuals affected with RASA1-related conditions. ClinVar contains an entry for this variant (Variation ID: 424527). An algorithm developed to predict the effect of missense changes on protein structure and function (PolyPhen-2) suggests that this variant is likely to be tolerated. Algorithms developed to predict the effect of sequence changes on RNA splicing suggest that this variant may disrupt the consensus splice site. In summary, the available evidence is currently insufficient to determine the role of this variant in disease. Therefore, it has been classified as a Variant of Uncertain Significance.

Ambry Genetics
Classification: Likely benign for Cardiovascular phenotype. Last evaluated: 2022-04-03. Review status: criteria provided, single submitter. Criteria: Ambry Variant Classification Scheme 2023. Collection method: clinical testing. Allele origin: germline.

GeneDx
Classification: Uncertain significance. Last evaluated: 2017-03-23. Review status: criteria provided, single submitter. Criteria: GeneDx Variant Classification (06012015). Collection method: clinical testing. Allele origin: germline. Affected: yes.
Comment: A variant of uncertain significance has been identified in the RASA1 gene. The D1045Y variant has not been published as pathogenic or been reported as benign to our knowledge. This variant is not observed at a significant frequency in large population cohorts (Lek et al., 2016; 1000 Genomes Consortium et al., 2015; Exome Variant Server). The D1045Y variant is a non-conservative amino acid substitution, which is likely to impact secondary protein structure as these residues differ in polarity, charge, size and/or other properties. However, this substitution occurs at a position that is not conserved across species. Furthermore, in silico analysis is inconsistent in its predictions as to whether or not the variant is damaging to the protein structure/function.

NM_002890.3(RASA1):c.3133G>T (p.Asp1045Tyr)

Genes: CCNH (cyclin H; minus strand), RASA1 (RAS p21 protein activator 1; plus strand). Cytogenetic location: 5q14.3.
Variant type: single nucleotide variant.
Coding change: c.3133G>T on transcript NM_002890.3 (MANE Select); coding-DNA position 3133, G replaced by T.
Protein change: p.Asp1045Tyr; replaces aspartic acid 1045 with tyrosine.
Molecular consequence: missense variant. On other transcripts: 3 prime UTR variant (2), non-coding transcript variant (1), intron variant (1).
Genome position (GRCh38, 1-based): chr5:87,390,872, G>T. VCF-style: chr5-87390872-G-T. GRCh37 (hg19) VCF-style: chr5-86686689-G-T.
Other names: c.2602G>T, p.Asp868Tyr (NM_022650.3); c.*1988C>A (NM_001363539.2, NM_001364076.2); c.933+4172C>A (NM_001364075.2); short protein forms D1045Y, D868Y.
Identifiers: ClinVar variation 424527 (VCV000424527.11), dbSNP rs144524710, ClinGen allele CA3336236.